The following is an entry in ClinVar:

ClinVar aggregate classification (germline): Pathogenic (1 of 4 stars; one submission).

Conditions:
Schneckenbecken dysplasia. Identifiers: Orphanet 3144, MedGen C0432194, MONDO:0010013, OMIM 269250.

Submission:

Labcorp Genetics (formerly Invitae), Labcorp
Classification: Pathogenic for Schneckenbecken dysplasia. Last evaluated: 2025-04-19. Review status: criteria provided, single submitter. Criteria: Invitae Variant Classification Sherloc (09022015). Collection method: clinical testing. Allele origin: germline.
Comment: This sequence change creates a premature translational stop signal (p.Thr284Asnfs*9) in the SLC35D1 gene. It is expected to result in an absent or disrupted protein product. Loss-of-function variants in SLC35D1 are known to be pathogenic (PMID: 17952091, 19508970). This variant is not present in population databases (gnomAD no frequency). This variant has not been reported in the literature in individuals affected with SLC35D1-related conditions. For these reasons, this variant has been classified as Pathogenic.

Literature cited by the submitters: PubMed 17952091; PubMed 19508970.

NM_015139.3(SLC35D1):c.850dup (p.Thr284fs)

Gene: SLC35D1 (solute carrier family 35 member D1; minus strand). Cytogenetic location: 1p31.3.
Variant type: Duplication.
Coding change: c.850dup on transcript NM_015139.3 (MANE Select); coding-DNA position 850, one base duplicated (A; older notation c.850dupA).
Protein change: p.Thr284fs; shifts the reading frame from threonine 284.
Molecular consequence: frameshift variant.
Genome position (GRCh38, 1-based): chr1:67,020,395, T duplicated on the plus strand (A on the coding strand, the reverse complement: SLC35D1 is on the minus strand). VCF-style (leftmost placement, unchanged base first): chr1-67020394-G-GT. GRCh37 (hg19) VCF-style: chr1-67486077-G-GT.
Other names: short protein forms T284fs.
Identifiers: ClinVar variation 4771008 (VCV004771008.1).